The following is an entry in ClinVar:

ClinVar aggregate classification (germline): Pathogenic (1 of 4 stars; one submission).

Conditions:
Glycogen storage disease IXc (GSD9C). Also called: GSD IXc. Identifiers: Orphanet 264580, MedGen C2751643, MONDO:0013091, OMIM 613027.

Submission:

Labcorp Genetics (formerly Invitae), Labcorp
Classification: Pathogenic for Glycogen storage disease IXc. Last evaluated: 2023-08-16. Review status: criteria provided, single submitter. Criteria: Invitae Variant Classification Sherloc (09022015). Collection method: clinical testing. Allele origin: germline.
Comment: This variant is not present in population databases (gnomAD no frequency). This sequence change creates a premature translational stop signal (p.Glu129*) in the PHKG2 gene. It is expected to result in an absent or disrupted protein product. Loss-of-function variants in PHKG2 are known to be pathogenic (PMID: 8896567, 17689125, 21646031). This variant has not been reported in the literature in individuals affected with PHKG2-related conditions. For these reasons, this variant has been classified as Pathogenic.

Literature cited by the submitters: PubMed 8896567; PubMed 17689125; PubMed 21646031.

NM_000294.3(PHKG2):c.385G>T (p.Glu129Ter)

Gene: PHKG2 (phosphorylase kinase catalytic subunit gamma 2; plus strand). Cytogenetic location: 16p11.2.
Variant type: single nucleotide variant.
Coding change: c.385G>T on transcript NM_000294.3 (MANE Select); coding-DNA position 385, G replaced by T.
Protein change: p.Glu129Ter; replaces glutamic acid 129 with a stop codon.
Molecular consequence: nonsense.
Genome position (GRCh38, 1-based): chr16:30,753,290, G>T. VCF-style: chr16-30753290-G-T. GRCh37 (hg19) VCF-style: chr16-30764611-G-T.
Other names: c.385G>T, p.Glu129Ter (NM_001172432.2); short protein forms E129*.
Identifiers: ClinVar variation 2752978 (VCV002752978.3), dbSNP rs2543462025, ClinGen allele CA395655932.